The following is an entry in ClinVar:

ClinVar aggregate classification (germline): Likely pathogenic (1 of 4 stars; one submission).

Submission:

Labcorp Genetics (formerly Invitae), Labcorp
Classification: Likely pathogenic. Last evaluated: 2024-02-27. Review status: criteria provided, single submitter. Criteria: Invitae Variant Classification Sherloc (09022015). Collection method: clinical testing. Allele origin: germline.
Comment: This sequence change affects a donor splice site in intron 15 of the TBCD gene. It is expected to disrupt RNA splicing. Variants that disrupt the donor or acceptor splice site typically lead to a loss of protein function (PMID: 16199547), and loss-of-function variants in TBCD are known to be pathogenic (PMID: 27666370, 27666374). This variant is not present in population databases (gnomAD no frequency). This variant has not been reported in the literature in individuals affected with TBCD-related conditions. Algorithms developed to predict the effect of sequence changes on RNA splicing suggest that this variant may disrupt the consensus splice site. In summary, the currently available evidence indicates that the variant is pathogenic, but additional data are needed to prove that conclusively. Therefore, this variant has been classified as Likely Pathogenic.

Literature cited by the submitters: PubMed 16199547; PubMed 27666370; PubMed 27666374.

NM_005993.5(TBCD):c.1533+1G>A

Gene: TBCD (tubulin folding cofactor D). Cytogenetic location: 17q25.3.
Variant type: single nucleotide variant.
Coding change: c.1533+1G>A on transcript NM_005993.5 (MANE Select); the canonical splice donor site of the intron after coding-DNA position 1533, G replaced by A.
Molecular consequence: splice donor variant.
Genome position (GRCh38, 1-based): chr17:82,884,203, G>A. VCF-style: chr17-82884203-G-A. GRCh37 (hg19) VCF-style: chr17-80842079-G-A.
Other names: c.1533+1G>A (NM_001411102.1); c.1482+1G>A (NM_001411101.1).
Identifiers: ClinVar variation 3669537 (VCV003669537.2).